The following is an entry in ClinVar:

ClinVar aggregate classification (germline): Conflicting classifications of pathogenicity. Review status: criteria provided, conflicting classifications (1 of 4 stars). 3 submissions from 3 submitters: Uncertain significance (2); Likely benign (1). Last evaluated 2025-02-28.

Conditions:
Ehlers-Danlos syndrome, classic type, 1 (EDSCL1). Also called: EHLERS-DANLOS SYNDROME, GRAVIS TYPE; EHLERS-DANLOS SYNDROME, SEVERE CLASSIC TYPE; Ehlers-Danlos syndrome, type 1; EDS I; Ehlers-Danlos Syndrome, Classic Type, COL5A1-Related. Identifiers: MedGen C0268335, MONDO:0019567, OMIM 130000.

Allele frequency attached by ClinVar (database versions not stated): TOPMed 0.00001; gnomAD exomes 0.00002; ExAC 0.00002; gnomAD 0.00001.
gnomAD v4.1: 33 of 1,613,942 alleles (0.002%); highest among the groups gnomAD compares: Non-Finnish European, 0.0026%; no homozygotes.

Submissions (3):

Mayo Clinic Laboratories, Mayo Clinic
Classification: Uncertain significance. Last evaluated: 2025-02-28. Review status: criteria provided, single submitter. Criteria: ACMG Guidelines, 2015. Collection method: clinical testing. Allele origin: germline. Observed: 1 variant allele.
Comment: BS1, PP3

Women's Health and Genetics/Laboratory Corporation of America, LabCorp
Classification: Uncertain significance. Last evaluated: 2023-12-03. Review status: criteria provided, single submitter. Criteria: LabCorp Variant Classification Summary - May 2015. Collection method: clinical testing. Allele origin: germline.

Labcorp Genetics (formerly Invitae), Labcorp
Classification: Likely benign for Ehlers-Danlos syndrome, classic type, 1. Last evaluated: 2022-12-06. Review status: criteria provided, single submitter. Criteria: Invitae Variant Classification Sherloc (09022015). Collection method: clinical testing. Allele origin: germline.

NM_000393.5(COL5A2):c.1796C>T (p.Pro599Leu)

Gene: COL5A2 (collagen type V alpha 2 chain; minus strand). Cytogenetic location: 2q32.2.
Variant type: single nucleotide variant.
Coding change: c.1796C>T on transcript NM_000393.5 (MANE Select); coding-DNA position 1796, C replaced by T.
Protein change: p.Pro599Leu; replaces proline 599 with leucine.
Molecular consequence: missense variant.
Genome position (GRCh38, 1-based): chr2:189,063,245, G>A on the plus strand (C>T on the coding strand, the complement: COL5A2 is on the minus strand). VCF-style: chr2-189063245-G-A. GRCh37 (hg19) VCF-style: chr2-189927971-G-A.
Other names: p.Pro599Leu; short protein forms P599L.
Identifiers: ClinVar variation 2043692 (VCV002043692.6), dbSNP rs758807897, ClinGen allele CA2022563.
Genomic context (GRCh38, chr2:189,063,245, plus strand): 5'-GGGCCTGGAAGGCCCATGCTCCCGGGCTGCCCTCTGATTCCTATGGAGCCTGGAGGACCT[G>A]GACGGCCATCTTCCCCTGGCGCACCCTATAGAATTGACAGGAGCCATGTAAGTTTCATGT-3'
Protein context (NP_000384.2, residues 589-609): PLGAPGEDGR[Pro599Leu]GPPGSIGIRG